The following is an entry in ClinVar:

NM_000122.2(ERCC3):c.682G>C (p.Gly228Arg)

Gene: ERCC3 (ERCC excision repair 3, TFIIH core complex helicase subunit; minus strand). Cytogenetic location: 2q14.3.
Variant type: single nucleotide variant.
Coding change: c.682G>C on transcript NM_000122.2 (MANE Select); coding-DNA position 682, G replaced by C.
Protein change: p.Gly228Arg; replaces glycine 228 with arginine.
Molecular consequence: missense variant.
Genome position (GRCh38, 1-based): chr2:127,289,477, C>G on the plus strand (G>C on the coding strand, the complement: ERCC3 is on the minus strand). VCF-style: chr2-127289477-C-G. GRCh37 (hg19) VCF-style: chr2-128047053-C-G.
Other names: c.490G>C, p.Gly164Arg (NM_001303416.2, NM_001303418.2); short protein forms G228R, G164R.
Identifiers: ClinVar variation 134127 (VCV000134127.1), dbSNP rs587778279, ClinGen allele CA158848.

ClinVar aggregate classification (germline): not provided (0 of 4 stars; one submission).

Allele frequency attached by ClinVar (database versions not stated): ExAC 0.00001; TOPMed 0.00001.

Submission:

ITMI
No classification provided. Condition: AllHighlyPenetrant. Last evaluated: 2013-09-19. Review status: no classification provided. Collection method: reference population. Allele origin: germline.
Comment: Please see associated publication for description of ethnicities

Literature cited by the submitters: PubMed 24728327.